The following is an entry in ClinVar:

NM_001164277.2(SLC37A4):c.35_36del (p.Val12fs)

Gene: SLC37A4 (solute carrier family 37 member 4; minus strand). Cytogenetic location: 11q23.3.
Variant type: Microsatellite.
Coding change: c.35_36del on transcript NM_001164277.2 (MANE Select); coding-DNA positions 35 to 36, 2 bases deleted (TG; older notation c.35_36delTG).
Protein change: p.Val12fs; shifts the reading frame from valine 12.
Molecular consequence: frameshift variant. On other transcripts: intron variant (1).
Genome position (GRCh38, 1-based): chr11:119,029,334-119,029,335, CA deleted on the plus strand (TG on the coding strand, the reverse complement: SLC37A4 is on the minus strand); deleting any 2 consecutive bases within chr11:119,029,334-119,029,337 gives the same sequence; the c. name uses the placement nearest the transcript's 3' end. VCF-style (leftmost placement, unchanged base first): chr11-119029333-TCA-T. GRCh37 (hg19) VCF-style: chr11-118900043-TCA-T.
Other names: c.35_36del (NM_001164277.1); c.33_34TG[1], p.Val12Aspfs (NM_001164277.1); c.35_36del, p.Val12fs (NM_001164278.2, NM_001164280.2, NM_001467.6); c.-172+57_-172+58del (NM_001164279.2); short protein forms V12fs.
Identifiers: ClinVar variation 4814672 (VCV004814672.1).

ClinVar aggregate classification (germline): Likely pathogenic (1 of 4 stars; one submission).

Conditions:
Glucose-6-phosphate transport defect (GSD1B). Also called: Glycogen Storage Disease Type Ib; GSD Ib. Identifiers: Orphanet 364, Orphanet 79259, MedGen C0268146, MONDO:0009288, OMIM 232220.

Submission:

Natera, Inc.
Classification: Likely pathogenic for Glycogen storage disease type Ib. Last evaluated: 2024-12-13. Review status: criteria provided, single submitter. Criteria: Natera Variant Classification Schema (03/2026). Collection method: clinical testing. Allele origin: germline.
Comment: The c.35_36del variant in SLC37A4 is a frameshift variant predicted to shift the reading frame beginning at codon 12 and leads to a stop codon 36 codons downstream. This variant is expected to result in nonsense mediated decay, truncation, or a dysfunctional protein product. This variant is rare in the general population with a frequency below the threshold expected for the associated phenotype(s). Given the available evidence, this variant is classified as Likely Pathogenic.